The following is an entry in ClinVar:

ClinVar aggregate classification (germline): Uncertain significance (1 of 4 stars; one submission).

gnomAD v4.1: 5 of 1,613,888 alleles (0.00031%); highest among the groups gnomAD compares: Admixed American, 0.0017%; no homozygotes.

Submission:

Labcorp Genetics (formerly Invitae), Labcorp
Classification: Uncertain significance. Last evaluated: 2024-09-28. Review status: criteria provided, single submitter. Criteria: Invitae Variant Classification Sherloc (09022015). Collection method: clinical testing. Allele origin: germline.
Comment: This sequence change replaces proline, which is neutral and non-polar, with serine, which is neutral and polar, at codon 158 of the FUK protein (p.Pro158Ser). This variant is present in population databases (rs750196894, gnomAD 0.003%). This variant has not been reported in the literature in individuals affected with FUK-related conditions. An algorithm developed to predict the effect of missense changes on protein structure and function (PolyPhen-2) suggests that this variant is likely to be disruptive. In summary, the available evidence is currently insufficient to determine the role of this variant in disease. Therefore, it has been classified as a Variant of Uncertain Significance.

NM_145059.3(FCSK):c.472C>T (p.Pro158Ser)

Gene: FCSK (fucose kinase; plus strand). Cytogenetic location: 16q22.1.
Variant type: single nucleotide variant.
Coding change: c.472C>T on transcript NM_145059.3 (MANE Select); coding-DNA position 472, C replaced by T.
Protein change: p.Pro158Ser; replaces proline 158 with serine.
Molecular consequence: missense variant.
Genome position (GRCh38, 1-based): chr16:70,466,942, C>T. VCF-style: chr16-70466942-C-T. GRCh37 (hg19) VCF-style: chr16-70500845-C-T.
Other names: short protein forms P158S.
Identifiers: ClinVar variation 3685281 (VCV003685281.2).